The following is an entry in ClinVar:

ClinVar aggregate classification (germline): Uncertain significance (1 of 4 stars; one submission).

Conditions:
Primary familial hypertrophic cardiomyopathy (HCM). Identifiers: Orphanet 99739, MedGen C0949658, MeSH D024741, MONDO:0024573. Inheritance: Various modes of inheritance.
Hypertrophic cardiomyopathy 25 (CMH25). Also called: CARDIOMYOPATHY, FAMILIAL HYPERTROPHIC, 25. Identifiers: MedGen C4225408, MONDO:0011843, OMIM 607487.

Submission:

Labcorp Genetics (formerly Invitae), Labcorp
Classification: Uncertain significance for Hypertrophic cardiomyopathy 25; Primary familial hypertrophic cardiomyopathy. Last evaluated: 2022-02-10. Review status: criteria provided, single submitter. Criteria: Invitae Variant Classification Sherloc (09022015). Collection method: clinical testing. Allele origin: germline.
Comment: A copy number gain of the genomic region encompassing the full coding sequence of the TCAP gene has been identified. The boundaries of this event are unknown as they extend beyond the assayed region for this gene and therefore may encompass additional genes. As the precise location of this event is unknown, it may be in tandem or it may be located elsewhere in the genome. This variant has not been reported in the literature in individuals affected with TCAP-related conditions. Experimental studies and prediction algorithms are not available or were not evaluated, and the functional significance of this variant is currently unknown. In summary, the available evidence is currently insufficient to determine the role of this variant in disease. Therefore, it has been classified as a Variant of Uncertain Significance.

NC_000017.10:g.(?_37821613)_(38458253_?)dup

Genes: GSDMB (gasdermin B; minus strand), CSF3 (colony stimulating factor 3; plus strand), ORMDL3 (ORMDL sphingolipid biosynthesis regulator 3; minus strand), MED24 (mediator complex subunit 24; minus strand), GRB7 (growth factor receptor bound protein 7; plus strand) and 17 more. Cytogenetic location: 17q12-21.2.
Variant type: Duplication.
Identifiers: ClinVar variation 2424720 (VCV002424720.4).